The following is an entry in ClinVar:

NM_000944.5(PPP3CA):c.352G>A (p.Asp118Asn)

Gene: PPP3CA (protein phosphatase 3 catalytic subunit alpha; minus strand). Cytogenetic location: 4q24.
Variant type: single nucleotide variant.
Coding change: c.352G>A on transcript NM_000944.5 (MANE Select); coding-DNA position 352, G replaced by A.
Protein change: p.Asp118Asn; replaces aspartic acid 118 with asparagine.
Molecular consequence: missense variant.
Genome position (GRCh38, 1-based): chr4:101,108,986, C>T on the plus strand (G>A on the coding strand, the complement: PPP3CA is on the minus strand). VCF-style: chr4-101108986-C-T. GRCh37 (hg19) VCF-style: chr4-102030143-C-T.
Other names: c.352G>A, p.Asp118Asn (NM_001130691.2, NM_001130692.2); short protein forms D118N.
Identifiers: ClinVar variation 3342869 (VCV003342869.1).

ClinVar aggregate classification (germline): Likely pathogenic (1 of 4 stars; one submission).

Submission:

GeneDx
Classification: Likely pathogenic. Last evaluated: 2024-01-18. Review status: criteria provided, single submitter. Criteria: GeneDx Variant Classification Process June 2021. Collection method: clinical testing. Allele origin: germline. Affected: yes.
Comment: Not observed at significant frequency in large population cohorts (gnomAD); In silico analysis supports that this missense variant has a deleterious effect on protein structure/function; Has not been previously published as pathogenic or benign to our knowledge